The following is an entry in ClinVar:

NM_004360.5(CDH1):c.2500G>C (p.Asp834His)

Gene: CDH1 (cadherin 1; plus strand). Cytogenetic location: 16q22.1.
Variant type: single nucleotide variant.
Coding change: c.2500G>C on transcript NM_004360.5 (MANE Select); coding-DNA position 2500, G replaced by C.
Protein change: p.Asp834His; replaces aspartic acid 834 with histidine.
Molecular consequence: missense variant.
Genome position (GRCh38, 1-based): chr16:68,833,350, G>C. VCF-style: chr16-68833350-G-C. GRCh37 (hg19) VCF-style: chr16-68867253-G-C.
Other names: c.535G>C, p.Asp179His (NM_001317186.2); c.2317G>C, p.Asp773His (NM_001317184.2); c.952G>C, p.Asp318His (NM_001317185.2); short protein forms D834H, D179H, D318H, D773H.
Identifiers: ClinVar variation 5033962 (VCV005033962.1).

ClinVar aggregate classification (germline): Uncertain significance (1 of 4 stars; one submission).

Conditions:
Hereditary cancer-predisposing syndrome. Also called: Neoplastic Syndromes, Hereditary; Tumor predisposition; Hereditary neoplastic syndrome; Hereditary Cancer Syndrome. Identifiers: Orphanet 140162, MedGen C0027672, MeSH D009386, MONDO:0015356.

Submission:

Ambry Genetics
Classification: Uncertain significance for Hereditary cancer-predisposing syndrome. Last evaluated: 2026-07-07. Review status: criteria provided, single submitter. Criteria: Ambry Variant Classification Scheme 2023. Collection method: clinical testing. Allele origin: germline.
Comment: The p.D834H variant (also known as c.2500G>C), located in coding exon 16 of the CDH1 gene, results from a G to C substitution at nucleotide position 2500. The aspartic acid at codon 834 is replaced by histidine, an amino acid with similar properties. This amino acid position is conserved. In addition, this alteration is predicted to be deleterious by in silico analysis. Based on the available evidence, the clinical significance of this variant remains unclear.